The following is an entry in ClinVar:

NM_004415.4(DSP):c.4540C>T (p.Leu1514=)

Gene: DSP (desmoplakin; plus strand). Cytogenetic location: 6p24.3.
Variant type: single nucleotide variant.
Coding change: c.4540C>T on transcript NM_004415.4 (MANE Select); coding-DNA position 4540, C replaced by T.
Protein change: p.Leu1514=; no amino-acid change (leucine 1514 retained).
Molecular consequence: synonymous variant. On other transcripts: intron variant (2).
Genome position (GRCh38, 1-based): chr6:7,580,730, C>T. VCF-style: chr6-7580730-C-T. GRCh37 (hg19) VCF-style: chr6-7580963-C-T.
Other names: c.4050+490C>T (NM_001319034.2); c.3582+958C>T (NM_001008844.3); c.4540C>T (LRG_423t1).
Identifiers: ClinVar variation 626745 (VCV000626745.15), dbSNP rs754783192, ClinGen allele CA041919.

ClinVar aggregate classification (germline): Likely benign. Review status: criteria provided, multiple submitters, no conflicts (2 of 4 stars). 5 submissions from 5 submitters: Likely benign (5). Last evaluated 2023-06-26.

Conditions:
Arrhythmogenic cardiomyopathy with wooly hair and keratoderma. Also called: Carvajal syndrome; PALMOPLANTAR KERATODERMA WITH LEFT VENTRICULAR CARDIOMYOPATHY AND WOOLLY HAIR; Dilated cardiomyopathy with woolly hair and keratoderma; Arrhythmogenic cardiomyopathy with woolly hair and keratoderma. Identifiers: Orphanet 65282, MedGen C1854063, MONDO:0011581, OMIM 605676.
Cardiovascular phenotype. Identifiers: MedGen CN230736.
Arrhythmogenic right ventricular dysplasia 8 (ARVD8). Also called: ARRHYTHMOGENIC RIGHT VENTRICULAR CARDIOMYOPATHY 8; Arrhythmogenic Right Ventricular Dysplasia/Cardiomyopathy 8; ARRHYTHMOGENIC RIGHT VENTRICULAR DYSPLASIA, FAMILIAL, 8. Identifiers: MedGen C1843896, MONDO:0011831, OMIM 607450.
Cardiomyopathy (CMYO). Also called: Cardiomyopathies. Identifiers: Orphanet 167848, MedGen C0878544, MONDO:0004994, HP:0001638. Inheritance: Various modes of inheritance.

Allele frequency attached by ClinVar (database versions not stated): ExAC 0.00001; gnomAD 0.00001 and 0.00003; gnomAD exomes 0.00001; TOPMed 0.00001.
gnomAD v4.1: 4 of 1,613,872 alleles (0.00025%); highest among the groups gnomAD compares: Non-Finnish European, 0.00034%; no homozygotes.

Submissions (5):

All of Us Research Program, National Institutes of Health
Classification: Likely benign for Arrhythmogenic cardiomyopathy with wooly hair and keratoderma. Last evaluated: 2023-06-26. Review status: criteria provided, single submitter. Criteria: ACMG Guidelines, 2015. Collection method: clinical testing. Allele origin: germline. Inheritance: Autosomal dominant inheritance. Observed: 1 variant allele, 1 heterozygote.
Comment: This study involves interpretation of variants in research participants for the purpose of population health screening. Participant phenotype was not available at the time of variant classification. Additional details can be found in publication PMID: 35346344, PMCID: PMC8962531

Color Diagnostics, LLC DBA Color Health
Classification: Likely benign for Cardiomyopathy. Last evaluated: 2023-06-21. Review status: criteria provided, single submitter. Criteria: ACMG Guidelines, 2015. Collection method: clinical testing. Allele origin: germline.

Ambry Genetics
Classification: Likely benign for Cardiovascular phenotype. Last evaluated: 2022-04-14. Review status: criteria provided, single submitter. Criteria: Ambry Variant Classification Scheme 2023. Collection method: clinical testing. Allele origin: germline.

Labcorp Genetics (formerly Invitae), Labcorp
Classification: Likely benign for Arrhythmogenic cardiomyopathy with wooly hair and keratoderma; Arrhythmogenic right ventricular dysplasia 8. Last evaluated: 2021-07-07. Review status: criteria provided, single submitter. Criteria: Invitae Variant Classification Sherloc (09022015). Collection method: clinical testing. Allele origin: germline.

CHEO Genetics Diagnostic Laboratory, Children's Hospital of Eastern Ontario
Classification: Likely benign for Cardiomyopathy. Last evaluated: 2016-11-15. Review status: criteria provided, single submitter. Criteria: ACMG Guidelines, 2015. Collection method: clinical testing. Allele origin: germline. Study: Canadian Open Genetics Repository.